The following is an entry in ClinVar:

ClinVar aggregate classification (germline): Likely benign. Review status: criteria provided, single submitter (1 of 4 stars). 2 submissions from 2 submitters: Likely benign (1). 1 of the submissions does not count toward it. Last evaluated 2025-09-24.

Conditions:
FAT1-related disorder. Also called: FAT1-related condition.

Allele frequency attached by ClinVar (database versions not stated): gnomAD exomes 0.00005; ExAC 0.00018; 1000 Genomes Project 0.00020; 1000 Genomes Project 30x 0.00031; gnomAD 0.00060; TOPMed 0.00066; ESP Exome Variant Server 0.00067.
gnomAD v4.1: 174 of 1,603,936 alleles (0.011%); highest among the groups gnomAD compares: African/African-American, 0.2%; no homozygotes.

Submissions (2):

Labcorp Genetics (formerly Invitae), Labcorp
Classification: Likely benign. Last evaluated: 2025-09-24. Review status: criteria provided, single submitter. Criteria: Invitae Variant Classification Sherloc (09022015). Collection method: clinical testing. Allele origin: germline.

PreventionGenetics, part of Exact Sciences
Classification: Likely benign for FAT1-related condition. Last evaluated: 2022-08-10. Review status: no assertion criteria provided. Collection method: clinical testing. Allele origin: germline. Not counted in ClinVar's aggregate classification.
Comment: This variant is classified as likely benign based on ACMG/AMP sequence variant interpretation guidelines (Richards et al. 2015 PMID: 25741868, with internal and published modifications).

NM_005245.4(FAT1):c.3252A>G (p.Ile1084Met)

Gene: FAT1 (FAT atypical cadherin 1; minus strand). Cytogenetic location: 4q35.2.
Variant type: single nucleotide variant.
Coding change: c.3252A>G on transcript NM_005245.4 (MANE Select); coding-DNA position 3252, A replaced by G.
Protein change: p.Ile1084Met; replaces isoleucine 1084 with methionine.
Molecular consequence: missense variant.
Genome position (GRCh38, 1-based): chr4:186,706,576, T>C on the plus strand (A>G on the coding strand, the complement: FAT1 is on the minus strand). VCF-style: chr4-186706576-T-C. GRCh37 (hg19) VCF-style: chr4-187627730-T-C.
Other names: c.3252A>G (NM_005245.3); short protein forms I1084M.
Identifiers: ClinVar variation 2070389 (VCV002070389.6), dbSNP rs201889111, ClinGen allele CA3167075.